The following is an entry in ClinVar:

NM_004006.3(DMD):c.6561C>A (p.Ser2187Arg)

Gene: DMD (dystrophin; minus strand). Cytogenetic location: Xp21.1.
Variant type: single nucleotide variant.
Coding change: c.6561C>A on transcript NM_004006.3 (MANE Select); coding-DNA position 6561, C replaced by A.
Protein change: p.Ser2187Arg; replaces serine 2187 with arginine.
Molecular consequence: missense variant. On other transcripts: 5 prime UTR variant (5).
Genome position (GRCh38, 1-based): chrX:31,968,392, G>T on the plus strand (C>A on the coding strand, the complement: DMD is on the minus strand). VCF-style: chrX-31968392-G-T. GRCh37 (hg19) VCF-style: chrX-31986509-G-T.
Other names: c.6537C>A, p.Ser2179Arg (NM_000109.4); c.6549C>A, p.Ser2183Arg (NM_004009.3); c.6192C>A, p.Ser2064Arg (NM_004010.3); c.2538C>A, p.Ser846Arg (NM_004011.4); c.2529C>A, p.Ser843Arg (NM_004012.4); c.-820C>A (NM_004013.3, NM_004020.4, NM_004021.3 and 2 more transcripts); short protein forms S2183R, S2187R, S843R, S846R, S2064R, S2179R.
Identifiers: ClinVar variation 4774248 (VCV004774248.1).

ClinVar aggregate classification (germline): Uncertain significance (1 of 4 stars; one submission).

Conditions:
Duchenne muscular dystrophy (DMD). Also called: MUSCULAR DYSTROPHY, PSEUDOHYPERTROPHIC PROGRESSIVE, DUCHENNE TYPE; Duchenne Muscular Dystrophy (DMD). Identifiers: Orphanet 98896, MedGen C0013264, MONDO:0010679, OMIM 310200.

Submission:

Labcorp Genetics (formerly Invitae), Labcorp
Classification: Uncertain significance for Duchenne muscular dystrophy. Last evaluated: 2025-12-21. Review status: criteria provided, single submitter. Criteria: Invitae Variant Classification Sherloc (09022015). Collection method: clinical testing. Allele origin: germline.
Comment: This sequence change replaces serine, which is neutral and polar, with arginine, which is basic and polar, at codon 2187 of the DMD protein (p.Ser2187Arg). This variant is not present in population databases (gnomAD no frequency). This variant has not been reported in the literature in individuals affected with DMD-related conditions. Invitae Evidence Modeling of protein sequence and biophysical properties (such as structural, functional, and spatial information, amino acid conservation, physicochemical variation, residue mobility, and thermodynamic stability) indicates that this missense variant is not expected to disrupt DMD protein function with a negative predictive value of 95%. In summary, the available evidence is currently insufficient to determine the role of this variant in disease. Therefore, it has been classified as a Variant of Uncertain Significance.